The following is an entry in ClinVar:

ClinVar aggregate classification (germline): Uncertain significance (1 of 4 stars; one submission).

Submission:

GeneDx
Classification: Uncertain significance. Last evaluated: 2025-03-05. Review status: criteria provided, single submitter. Criteria: GeneDx Variant Classification Process June 2021. Collection method: clinical testing. Allele origin: germline. Affected: yes.
Comment: Not observed at significant frequency in large population cohorts (gnomAD); In silico analysis supports that this missense variant has a deleterious effect on protein structure/function; Has not been previously published as pathogenic or benign to our knowledge

NM_022893.4(BCL11A):c.1265G>A (p.Arg422His)

Gene: BCL11A (BCL11 transcription factor A; minus strand). Cytogenetic location: 2p16.1.
Variant type: single nucleotide variant.
Coding change: c.1265G>A on transcript NM_022893.4 (MANE Select); coding-DNA position 1265, G replaced by A.
Protein change: p.Arg422His; replaces arginine 422 with histidine.
Molecular consequence: missense variant. On other transcripts: intron variant (6).
Genome position (GRCh38, 1-based): chr2:60,461,647, C>T on the plus strand (G>A on the coding strand, the complement: BCL11A is on the minus strand). VCF-style: chr2-60461647-C-T. GRCh37 (hg19) VCF-style: chr2-60688782-C-T.
Other names: c.1109G>A, p.Arg370His (NM_001405716.1, NM_001405722.1, NM_001405723.1 and 3 more transcripts); c.1007G>A, p.Arg336His (NM_001405717.1, NM_001405718.1, NM_001405724.1); c.1163G>A, p.Arg388His (NM_001405719.1, NM_001363864.1, NM_001365609.1 and 2 more transcripts); c.932G>A, p.Arg311His (NM_001405720.1, NM_001405721.1); c.809G>A, p.Arg270His (NM_001405725.1, NM_001405726.1, NM_001405727.1 and 1 more transcripts); c.1265G>A, p.Arg422His (NM_001405708.1, NM_001405709.1, NM_001405710.1 and 1 more transcripts); c.572G>A, p.Arg191His (NM_001405729.1); c.728G>A, p.Arg243His (NM_001405730.1); and 5 more; short protein forms R191H, R243H, R270H, R311H, R336H, R370H, R388H, R422H.
Identifiers: ClinVar variation 4082984 (VCV004082984.1).